The following is an entry in ClinVar:

ClinVar aggregate classification (germline): Uncertain significance (1 of 4 stars; one submission).

Conditions:
Tietz syndrome (TADS). Also called: HYPOPIGMENTATION/DEAFNESS OF TIETZ; TIETZ ALBINISM-DEAFNESS SYNDROME; ALBINISM-DEAFNESS OF TIETZ. Identifiers: Orphanet 42665, MedGen C0391816, MONDO:0007077, OMIM 103500.
Waardenburg syndrome type 2A (WS2A). Also called: WAARDENBURG SYNDROME WITHOUT DYSTOPIA CANTHORUM. Identifiers: Orphanet 3440, MedGen C1860339, MONDO:0008671, OMIM 193510.
Melanoma, cutaneous malignant, susceptibility to, 8. Also called: MELANOMA AND RENAL CELL CARCINOMA, SUSCEPTIBILITY TO; Cutaneous malignant melanoma 8. Identifiers: Orphanet 293822, MedGen C3152204, MONDO:0013759, OMIM 614456.

gnomAD v4.1: 1 of 1,614,012 alleles (0.000062%); highest among the groups gnomAD compares: African/African-American, 0.0013%; no homozygotes.

Submission:

Labcorp Genetics (formerly Invitae), Labcorp
Classification: Uncertain significance for Melanoma, cutaneous malignant, susceptibility to, 8; Waardenburg syndrome type 2A; Tietz syndrome. Last evaluated: 2024-04-27. Review status: criteria provided, single submitter. Criteria: Invitae Variant Classification Sherloc (09022015). Collection method: clinical testing. Allele origin: germline.
Comment: This sequence change replaces serine, which is neutral and polar, with tyrosine, which is neutral and polar, at codon 82 of the MITF protein (p.Ser82Tyr). This variant is not present in population databases (gnomAD no frequency). This variant has not been reported in the literature in individuals affected with MITF-related conditions. Advanced modeling of protein sequence and biophysical properties (such as structural, functional, and spatial information, amino acid conservation, physicochemical variation, residue mobility, and thermodynamic stability) performed at Invitae indicates that this missense variant is expected to disrupt MITF protein function with a positive predictive value of 80%. In summary, the available evidence is currently insufficient to determine the role of this variant in disease. Therefore, it has been classified as a Variant of Uncertain Significance.

NM_001354604.2(MITF):c.566C>A (p.Ser189Tyr)

Gene: MITF (melanocyte inducing transcription factor; plus strand). Cytogenetic location: 3p13.
Variant type: single nucleotide variant.
Coding change: c.566C>A on transcript NM_001354604.2 (MANE Select); coding-DNA position 566, C replaced by A.
Protein change: p.Ser189Tyr; replaces serine 189 with tyrosine.
Molecular consequence: missense variant. On other transcripts: intron variant (1).
Genome position (GRCh38, 1-based): chr3:69,938,033, C>A. VCF-style: chr3-69938033-C-A. GRCh37 (hg19) VCF-style: chr3-69987184-C-A.
Other names: c.245C>A, p.Ser82Tyr (NM_000248.4, NM_001184968.2, NM_198158.3); c.410C>A, p.Ser137Tyr (NM_001184967.2, NM_001354608.2); c.563C>A, p.Ser188Tyr (NM_001354605.2, NM_001354606.2, NM_006722.3); c.515C>A, p.Ser172Tyr (NM_001354607.2); c.566C>A, p.Ser189Tyr (NM_198159.3); c.518C>A, p.Ser173Tyr (NM_198177.3); c.93+152C>A (NM_198178.3); short protein forms S137Y, S172Y, S173Y, S188Y, S189Y, S82Y.
Identifiers: ClinVar variation 3752310 (VCV003752310.2).